The following is an entry in ClinVar:

ClinVar aggregate classification (germline): Likely benign. Review status: criteria provided, multiple submitters, no conflicts (2 of 4 stars). 2 submissions from 2 submitters: Likely benign (2). Last evaluated 2023-02-01.

Allele frequency attached by ClinVar (database versions not stated): ESP Exome Variant Server 0.00009; gnomAD exomes 0.00025; TOPMed 0.00025; gnomAD 0.00027; ExAC 0.00038.
gnomAD v4.1: 312 of 1,208,692 alleles (0.026%); highest among the groups gnomAD compares: Non-Finnish European, 0.011%; no homozygotes.

Submissions (2):

CeGaT Center for Human Genetics Tuebingen
Classification: Likely benign. Last evaluated: 2023-02-01. Review status: criteria provided, single submitter. Criteria: CeGaT Center For Human Genetics Tuebingen Variant Classification Criteria Version 2. Collection method: clinical testing. Allele origin: germline. Affected: yes. Observed: 1 variant allele.
Comment: ACOT9: BP4, BS2

Ambry Genetics
Classification: Likely benign. Last evaluated: 2021-07-06. Review status: criteria provided, single submitter. Criteria: Ambry Variant Classification Scheme 2023. Collection method: clinical testing. Allele origin: germline.

NM_001037171.2(ACOT9):c.1313C>T (p.Ala438Val)

Gene: ACOT9 (acyl-CoA thioesterase 9; minus strand). Cytogenetic location: Xp22.11.
Variant type: single nucleotide variant.
Coding change: c.1313C>T on transcript NM_001037171.2 (MANE Select); coding-DNA position 1313, C replaced by T.
Protein change: p.Ala438Val; replaces alanine 438 with valine.
Molecular consequence: missense variant.
Genome position (GRCh38, 1-based): chrX:23,703,928, G>A on the plus strand (C>T on the coding strand, the complement: ACOT9 is on the minus strand). VCF-style: chrX-23703928-G-A. GRCh37 (hg19) VCF-style: chrX-23722045-G-A.
Other names: c.1286C>T, p.Ala429Val (NM_001033583.3); c.1106C>T, p.Ala369Val (NM_001330259.2); short protein forms A429V, A369V, A438V.
Identifiers: ClinVar variation 2365521 (VCV002365521.26), dbSNP rs200042097, ClinGen allele CA10369498.